The following is an entry in ClinVar:

NM_001040108.2(MLH3):c.89C>G (p.Ala30Gly)

Gene: MLH3 (mutL homolog 3; minus strand). Cytogenetic location: 14q24.3.
Variant type: single nucleotide variant.
Coding change: c.89C>G on transcript NM_001040108.2 (MANE Select); coding-DNA position 89, C replaced by G.
Protein change: p.Ala30Gly; replaces alanine 30 with glycine.
Molecular consequence: missense variant.
Genome position (GRCh38, 1-based): chr14:75,049,567, G>C on the plus strand (C>G on the coding strand, the complement: MLH3 is on the minus strand). VCF-style: chr14-75049567-G-C. GRCh37 (hg19) VCF-style: chr14-75516270-G-C.
Other names: c.89C>G, p.Ala30Gly (NM_014381.3); short protein forms A30G.
Identifiers: ClinVar variation 5024612 (VCV005024612.1).

ClinVar aggregate classification (germline): Uncertain significance (1 of 4 stars; one submission).

Submission:

Ambry Genetics
Classification: Uncertain significance. Last evaluated: 2026-07-30. Review status: criteria provided, single submitter. Criteria: Ambry Variant Classification Scheme 2023. Collection method: clinical testing. Allele origin: germline.
Comment: The p.A30G variant (also known as c.89C>G), located in coding exon 1 of the MLH3 gene, results from a C to G substitution at nucleotide position 89. The alanine at codon 30 is replaced by glycine, an amino acid with similar properties. This amino acid position is conserved. In addition, the in silico prediction for this alteration is inconclusive. Based on the available evidence, the clinical significance of this variant remains unclear.